The following is an entry in ClinVar:

NM_018194.6(HHAT):c.874C>T (p.Gln292Ter)

Gene: HHAT (hedgehog acyltransferase; plus strand). Cytogenetic location: 1q32.2.
Variant type: single nucleotide variant.
Coding change: c.874C>T on transcript NM_018194.6 (MANE Select); coding-DNA position 874, C replaced by T.
Protein change: p.Gln292Ter; replaces glutamine 292 with a stop codon.
Molecular consequence: nonsense.
Genome position (GRCh38, 1-based): chr1:210,464,522, C>T. VCF-style: chr1-210464522-C-T. GRCh37 (hg19) VCF-style: chr1-210637866-C-T.
Other names: c.874C>T, p.Gln292Ter (NM_001122834.4, NM_001170580.3); c.463C>T, p.Gln155Ter (NM_001170564.3); c.877C>T, p.Gln293Ter (NM_001170587.3); c.679C>T, p.Gln227Ter (NM_001170588.3); short protein forms Q155*, Q293*, Q292*, Q227*.
Identifiers: ClinVar variation 5005656 (VCV005005656.2).
Genomic context (GRCh38, chr1:210,464,522, plus strand): 5'-GTGATTCTCTTCCATGTGTCTGACTGGTCTGTTTGCCTTTCAGGAGGACTGGCGTTAGCC[C>T]AGGTGCTCTTTTTCTACGTGAAGTACTTGGTGCTCTTTGGCGTGCCTGCTCTGCTCATGC-3'

ClinVar aggregate classification (germline): Likely pathogenic (1 of 4 stars; one submission).

Conditions:
Chondrodysplasia-pseudohermaphroditism syndrome. Also called: Chondrodysplasia pseudohermaphrodism syndrome; Pseudohermaphrodism and chondrodysplasia. Identifiers: Orphanet 1422, MedGen C1838654, MONDO:0010814, OMIM 600092.

Submission:

Juno Genomics, Hangzhou Juno Genomics, Inc
Classification: Likely pathogenic for Chondrodysplasia-pseudohermaphroditism syndrome. Review status: criteria provided, single submitter. Criteria: ACMG Guidelines, 2015. Collection method: clinical testing. Allele origin: germline.
Comment: Absent from controls (or at extremely low frequency if recessive) in Genome Aggregation Database.;Null variant in a gene where loss of function (LOF) is a known mechanism of disease.